The following is an entry in ClinVar:

NM_001308210.2(TSHZ1):c.1626C>T (p.Asp542=)

Gene: TSHZ1 (teashirt zinc finger homeobox 1; plus strand). Cytogenetic location: 18q22.3.
Variant type: single nucleotide variant.
Coding change: c.1626C>T on transcript NM_001308210.2 (MANE Select); coding-DNA position 1626, C replaced by T.
Protein change: p.Asp542=; no amino-acid change (aspartic acid 542 retained).
Molecular consequence: synonymous variant.
Genome position (GRCh38, 1-based): chr18:75,287,033, C>T. VCF-style: chr18-75287033-C-T. GRCh37 (hg19) VCF-style: chr18-72998988-C-T.
Other names: c.1491C>T, p.Asp497= (NM_005786.6); c.1491C>T (NM_005786.4).
Identifiers: ClinVar variation 3050403 (VCV003050403.3), dbSNP rs377145373, ClinGen allele CA9002081.

ClinVar aggregate classification (germline): Likely benign. Review status: criteria provided, single submitter (1 of 4 stars). 2 submissions from 2 submitters: Likely benign (1). 1 of the submissions does not count toward it. Last evaluated 2025-03-31.

Conditions:
TSHZ1-related disorder. Also called: TSHZ1-related condition.

Allele frequency attached by ClinVar (database versions not stated): ExAC 0.00002; gnomAD 0.00003; ESP Exome Variant Server 0.00008; TOPMed 0.00002.
gnomAD v4.1: 64 of 1,613,854 alleles (0.004%); highest among the groups gnomAD compares: Middle Eastern, 0.099%; no homozygotes.

Submissions (2):

Ambry Genetics
Classification: Likely benign. Last evaluated: 2025-03-31. Review status: criteria provided, single submitter. Criteria: Ambry Variant Classification Scheme 2023. Collection method: clinical testing. Allele origin: germline.

PreventionGenetics, part of Exact Sciences
Classification: Likely benign for TSHZ1-related condition. Last evaluated: 2019-07-11. Review status: no assertion criteria provided. Collection method: clinical testing. Allele origin: germline. Not counted in ClinVar's aggregate classification.
Comment: This variant is classified as likely benign based on ACMG/AMP sequence variant interpretation guidelines (Richards et al. 2015 PMID: 25741868, with internal and published modifications).